The following is an entry in ClinVar:

ClinVar aggregate classification (germline): Likely benign (1 of 4 stars; one submission).

Conditions:
ATP8B1-related disorder. Also called: ATP8B1-related disorders; ATP8B1-related condition.

Submission:

PreventionGenetics, part of Exact Sciences
Classification: Likely benign for ATP8B1-related condition. Last evaluated: 2025-06-05. Review status: criteria provided, single submitter. Criteria: ACMG Guidelines, 2015. Collection method: clinical testing. Allele origin: germline.
Comment: This variant is classified as likely benign based on ACMG/AMP sequence variant interpretation guidelines (Richards et al. 2015 PMID: 25741868, with internal and published modifications).

NM_001374385.1(ATP8B1):c.1221-9T>C

Gene: ATP8B1 (ATPase phospholipid transporting 8B1; minus strand). Cytogenetic location: 18q21.31.
Variant type: single nucleotide variant.
Coding change: c.1221-9T>C on transcript NM_001374385.1 (MANE Select); 9 bases into the intron before coding-DNA position 1221, T replaced by C.
Molecular consequence: intron variant.
Genome position (GRCh38, 1-based): chr18:57,688,516, A>G on the plus strand (T>C on the coding strand, the complement: ATP8B1 is on the minus strand). VCF-style: chr18-57688516-A-G. GRCh37 (hg19) VCF-style: chr18-55355748-A-G.
Other names: c.1221-9T>C (NM_005603.6); c.1071-9T>C (NM_001374386.1).
Identifiers: ClinVar variation 4997649 (VCV004997649.1).